The following is an entry in ClinVar:

NM_020921.4(NIN):c.5959C>T (p.Pro1987Ser)

Gene: NIN (ninein; minus strand). Cytogenetic location: 14q22.1.
Variant type: single nucleotide variant.
Coding change: c.5959C>T on transcript NM_020921.4 (MANE Select); coding-DNA position 5959, C replaced by T.
Protein change: p.Pro1987Ser; replaces proline 1987 with serine.
Molecular consequence: missense variant.
Genome position (GRCh38, 1-based): chr14:50,729,642, G>A on the plus strand (C>T on the coding strand, the complement: NIN is on the minus strand). VCF-style: chr14-50729642-G-A. GRCh37 (hg19) VCF-style: chr14-51196360-G-A.
Other names: c.3820C>T, p.Pro1274Ser (NM_016350.5); c.5959C>T, p.Pro1987Ser (NM_182944.3, NM_182946.2); c.5959C>T (NM_020921.3); short protein forms P1987S, P1274S.
Identifiers: ClinVar variation 2887331 (VCV002887331.4), dbSNP rs140892829, ClinGen allele CA7181074.

ClinVar aggregate classification (germline): Uncertain significance. Review status: criteria provided, multiple submitters, no conflicts (2 of 4 stars). 2 submissions from 2 submitters: Uncertain significance (2). Last evaluated 2025-08-12.

Allele frequency attached by ClinVar (database versions not stated): gnomAD exomes 0.00001; ExAC 0.00004; gnomAD 0.00007; TOPMed 0.00009; ESP Exome Variant Server 0.00015; 1000 Genomes Project 0.00040; 1000 Genomes Project 30x 0.00047.
gnomAD v4.1: 19 of 1,614,020 alleles (0.0012%); highest among the groups gnomAD compares: African/African-American, 0.017%; no homozygotes.

Submissions (2):

Ambry Genetics
Classification: Uncertain significance. Last evaluated: 2025-08-12. Review status: criteria provided, single submitter. Criteria: Ambry Variant Classification Scheme 2023. Collection method: clinical testing. Allele origin: germline.

Labcorp Genetics (formerly Invitae), Labcorp
Classification: Uncertain significance. Last evaluated: 2023-09-27. Review status: criteria provided, single submitter. Criteria: Invitae Variant Classification Sherloc (09022015). Collection method: clinical testing. Allele origin: germline.
Comment: In summary, the available evidence is currently insufficient to determine the role of this variant in disease. Therefore, it has been classified as a Variant of Uncertain Significance. Algorithms developed to predict the effect of missense changes on protein structure and function output the following: SIFT: "Not Available"; PolyPhen-2: "Benign"; Align-GVGD: "Not Available". The serine amino acid residue is found in multiple mammalian species, which suggests that this missense change does not adversely affect protein function. This variant has not been reported in the literature in individuals affected with NIN-related conditions. This variant is present in population databases (rs140892829, gnomAD 0.04%). This sequence change replaces proline, which is neutral and non-polar, with serine, which is neutral and polar, at codon 1987 of the NIN protein (p.Pro1987Ser).